The following is an entry in ClinVar:

NM_001276270.2(MBD4):c.1259-7T>G

Gene: MBD4 (methyl-CpG binding domain 4, DNA glycosylase; minus strand). Cytogenetic location: 3q21.3.
Variant type: single nucleotide variant.
Coding change: c.1259-7T>G on transcript NM_001276270.2 (MANE Select); 7 bases into the intron before coding-DNA position 1259, T replaced by G.
Molecular consequence: intron variant.
Genome position (GRCh38, 1-based): chr3:129,433,991, A>C on the plus strand (T>G on the coding strand, the complement: MBD4 is on the minus strand). VCF-style: chr3-129433991-A-C. GRCh37 (hg19) VCF-style: chr3-129152834-A-C.
Other names: c.323-7T>G (NM_001276273.2); c.1277-7T>G (NM_001276272.2, NM_003925.3, NM_001276271.2).
Identifiers: ClinVar variation 3016353 (VCV003016353.3), dbSNP rs1157477731, ClinGen allele CA546209374.

ClinVar aggregate classification (germline): Uncertain significance (1 of 4 stars; one submission).

Allele frequency attached by ClinVar (database versions not stated): gnomAD exomes below 0.00001.
gnomAD v4.1: 1 of 1,614,172 alleles (0.000062%); highest among the groups gnomAD compares: Non-Finnish European, 0.000085%; no homozygotes.

Submission:

Labcorp Genetics (formerly Invitae), Labcorp
Classification: Uncertain significance. Last evaluated: 2024-11-15. Review status: criteria provided, single submitter. Criteria: Invitae Variant Classification Sherloc (09022015). Collection method: clinical testing. Allele origin: germline.
Comment: This sequence change falls in intron 4 of the MBD4 gene. It does not directly change the encoded amino acid sequence of the MBD4 protein. This variant is present in population databases (no rsID available, gnomAD 0.0009%). This variant has not been reported in the literature in individuals affected with MBD4-related conditions. ClinVar contains an entry for this variant (Variation ID: 3016353). Algorithms developed to predict the effect of sequence changes on RNA splicing suggest that this variant may disrupt the consensus splice site. In summary, the available evidence is currently insufficient to determine the role of this variant in disease. Therefore, it has been classified as a Variant of Uncertain Significance.